The following is an entry in ClinVar:

ClinVar aggregate classification (germline): Pathogenic/Likely pathogenic. Review status: criteria provided, multiple submitters, no conflicts (2 of 4 stars). 2 submissions from 2 submitters: Pathogenic (1); Likely pathogenic (1). Last evaluated 2021-12-29.

Conditions:
Gorlin syndrome. Also called: Nevoid Basal Cell Carcinoma Syndrome; Basal cell nevus syndrome. Identifiers: Orphanet 377, MedGen C0004779, MONDO:0007187.
Hereditary cancer-predisposing syndrome. Also called: Hereditary neoplastic syndrome; Tumor predisposition; Neoplastic Syndromes, Hereditary; Hereditary Cancer Syndrome. Identifiers: Orphanet 140162, MedGen C0027672, MeSH D009386, MONDO:0015356.

Submissions (2):

Ambry Genetics
Classification: Pathogenic for Hereditary cancer-predisposing syndrome. Last evaluated: 2021-12-29. Review status: criteria provided, single submitter. Criteria: Ambry Variant Classification Scheme 2023. Collection method: clinical testing. Allele origin: germline.
Comment: The c.2251-2A>G intronic pathogenic mutation results from an A to G substitution two nucleotides upstream from coding exon 15 in the PTCH1 gene. This alteration has been reported in a cohort of patients referred for testing for nevoid basal cell carcinoma syndrome (NBCCS) (Reinders MG et al. Mol Genet Genomic Med, 2018 05;6:409-415). This variant is considered to be rare based on population cohorts in the Genome Aggregation Database (gnomAD). In silico splice site analysis predicts that this alteration will weaken the native splice acceptor site. In addition to the clinical data presented in the literature, alterations that disrupt the canonical splice site are expected to cause aberrant splicing, resulting in an abnormal protein or a transcript that is subject to nonsense-mediated mRNA decay. As such, this alteration is classified as a disease-causing mutation.

Labcorp Genetics (formerly Invitae), Labcorp
Classification: Likely pathogenic for Gorlin syndrome. Last evaluated: 2021-04-06. Review status: criteria provided, single submitter. Criteria: Invitae Variant Classification Sherloc (09022015). Collection method: clinical testing. Allele origin: germline.
Comment: In summary, the currently available evidence indicates that the variant is pathogenic, but additional data are needed to prove that conclusively. Therefore, this variant has been classified as Likely Pathogenic. Algorithms developed to predict the effect of sequence changes on RNA splicing suggest that this variant may disrupt the consensus splice site, but this prediction has not been confirmed by published transcriptional studies. This variant has been observed in individual(s) with clinical features of basal cell nevus syndrome (PMID: 29575684, Invitae). This variant is not present in population databases (ExAC no frequency). This sequence change affects an acceptor splice site in intron 14 of the PTCH1 gene. It is expected to disrupt RNA splicing. Variants that disrupt the donor or acceptor splice site typically lead to a loss of protein function (PMID: 16199547), and loss-of-function variants in PTCH1 are known to be pathogenic (PMID: 16301862, 16419085).

Literature cited by the submitters: PubMed 29575684 (cited by Ambry Genetics and Labcorp Genetics (formerly Invitae), Labcorp); PubMed 16199547 (cited by Labcorp Genetics (formerly Invitae), Labcorp); PubMed 16301862 (cited by Labcorp Genetics (formerly Invitae), Labcorp); PubMed 16419085 (cited by Labcorp Genetics (formerly Invitae), Labcorp).

NM_000264.5(PTCH1):c.2251-2A>G

Genes: PTCH1 (patched 1; minus strand), LOC100507346 (uncharacterized LOC100507346; plus strand). Cytogenetic location: 9q22.32.
Variant type: single nucleotide variant.
Coding change: c.2251-2A>G on transcript NM_000264.5 (MANE Select); the canonical splice acceptor site of the intron before coding-DNA position 2251, A replaced by G.
Molecular consequence: splice acceptor variant. On other transcripts: non-coding transcript variant (1).
Genome position (GRCh38, 1-based): chr9:95,467,427, T>C on the plus strand (A>G on the coding strand, the complement: PTCH1 is on the minus strand). VCF-style: chr9-95467427-T-C. GRCh37 (hg19) VCF-style: chr9-98229709-T-C.
Other names: c.2248-2A>G (NM_001083603.3); c.2053-2A>G (NM_001083602.3); c.2095-2A>G (NM_001354918.2); c.1798-2A>G (NM_001083605.3, NM_001083604.3, NM_001083606.3 and 1 more transcripts).
Identifiers: ClinVar variation 1474640 (VCV001474640.10), dbSNP rs2117976305, ClinGen allele CA374114778.